The following is an entry in ClinVar:

NM_000834.5(GRIN2B):c.983G>T (p.Arg328Ile)

Gene: GRIN2B (glutamate ionotropic receptor NMDA type subunit 2B; minus strand). Cytogenetic location: 12p13.1.
Variant type: single nucleotide variant.
Coding change: c.983G>T on transcript NM_000834.5 (MANE Select); coding-DNA position 983, G replaced by T.
Protein change: p.Arg328Ile; replaces arginine 328 with isoleucine.
Molecular consequence: missense variant.
Genome position (GRCh38, 1-based): chr12:13,753,344, C>A on the plus strand (G>T on the coding strand, the complement: GRIN2B is on the minus strand). VCF-style: chr12-13753344-C-A. GRCh37 (hg19) VCF-style: chr12-13906278-C-A.
Other names: c.983G>T, p.Arg328Ile (NM_001413992.1, NM_001413993.1, NM_001413994.1 and 1 more transcripts); short protein forms R328I.
Identifiers: ClinVar variation 2573949 (VCV002573949.1), dbSNP rs2497776887, ClinGen allele CA384052997.

ClinVar aggregate classification (germline): Uncertain significance (1 of 4 stars; one submission).

Submission:

GeneDx
Classification: Uncertain significance. Last evaluated: 2023-01-18. Review status: criteria provided, single submitter. Criteria: GeneDx Variant Classification Process June 2021. Collection method: clinical testing. Allele origin: germline. Affected: yes.
Comment: Not observed at significant frequency in large population cohorts (gnomAD); In silico analysis supports that this missense variant does not alter protein structure/function; Has not been previously published as pathogenic or benign to our knowledge